The following is an entry in ClinVar:

ClinVar aggregate classification (germline): Pathogenic (1 of 4 stars; one submission).

Conditions:
Developmental and epileptic encephalopathy 94 (DEE94). Also called: CHD2-Related Neurodevelopmental Disorders; Epileptic encephalopathy, childhood-onset. Identifiers: Orphanet 1942, Orphanet 2382, MedGen C3809278, MONDO:0014150, OMIM 615369.

Submission:

Labcorp Genetics (formerly Invitae), Labcorp
Classification: Pathogenic for Developmental and epileptic encephalopathy 94. Last evaluated: 2023-09-27. Review status: criteria provided, single submitter. Criteria: Invitae Variant Classification Sherloc (09022015). Collection method: clinical testing. Allele origin: germline.
Comment: This sequence change creates a premature translational stop signal (p.Asn502*) in the CHD2 gene. It is expected to result in an absent or disrupted protein product. Loss-of-function variants in CHD2 are known to be pathogenic (PMID: 23708187, 24207121). This variant is not present in population databases (gnomAD no frequency). This variant has not been reported in the literature in individuals affected with CHD2-related conditions. Algorithms developed to predict the effect of sequence changes on RNA splicing suggest that this variant may disrupt the consensus splice site. For these reasons, this variant has been classified as Pathogenic.

Literature cited by the submitters: PubMed 23708187; PubMed 24207121.

NM_001271.4(CHD2):c.1504_1505delAA (p.Lys501_Asn502insTer)

Gene: CHD2 (chromodomain helicase DNA binding protein 2; plus strand). Cytogenetic location: 15q26.1.
Variant type: Deletion.
Coding change: c.1504_1505delAA on transcript NM_001271.4 (MANE Select); coding-DNA positions 1504 to 1505, 2 bases deleted (AA).
Protein change: p.Lys501_Asn502insTer.
Molecular consequence: nonsense.
Genome position (GRCh38, 1-based): chr15:92,953,358-92,953,359, AA deleted; deleting any 2 consecutive bases within chr15:92,953,357-92,953,359 gives the same sequence; the c. name uses the placement nearest the transcript's 3' end. VCF-style (leftmost placement, unchanged base first): chr15-92953356-GAA-G. GRCh37 (hg19) VCF-style: chr15-93496586-GAA-G.
Identifiers: ClinVar variation 2763871 (VCV002763871.3), dbSNP rs2505480054, ClinGen allele CA2697549405.